The following is an entry in ClinVar:

ClinVar aggregate classification (germline): Uncertain significance. Review status: criteria provided, multiple submitters, no conflicts (2 of 4 stars). 3 submissions from 3 submitters: Uncertain significance (3). Last evaluated 2026-05-13.

Conditions:
Cardiovascular phenotype. Identifiers: MedGen CN230736.
LMF1-related disorder. Also called: LMF1-related condition.

Allele frequency attached by ClinVar (database versions not stated): gnomAD exomes 0.00001.
gnomAD v4.1: 9 of 1,545,878 alleles (0.00058%); highest among the groups gnomAD compares: Admixed American, 0.012%; no homozygotes.

Submissions (3):

PreventionGenetics, part of Exact Sciences
Classification: Uncertain significance for LMF1-related condition. Last evaluated: 2026-05-13. Review status: criteria provided, single submitter. Criteria: ACMG Guidelines, 2015. Collection method: clinical testing. Allele origin: germline.
Comment: The LMF1 c.157C>T variant is predicted to result in the amino acid substitution p.Arg53Trp. To our knowledge, this variant has not been reported in the literature. This variant is reported in 0.021% of alleles in individuals of Latino descent in gnomAD. At this time, the clinical significance of this variant is uncertain due to the absence of conclusive functional and genetic evidence.

Ambry Genetics
Classification: Uncertain significance for Cardiovascular phenotype. Last evaluated: 2025-08-20. Review status: criteria provided, single submitter. Criteria: Ambry Variant Classification Scheme 2023. Collection method: clinical testing. Allele origin: germline.
Comment: The p.R53W variant (also known as c.157C>T), located in coding exon 1 of the LMF1 gene, results from a C to T substitution at nucleotide position 157. The arginine at codon 53 is replaced by tryptophan, an amino acid with dissimilar properties. This amino acid position is conserved. In addition, this alteration is predicted to be tolerated by in silico analysis. Based on the available evidence, the clinical significance of this variant remains unclear.

Labcorp Genetics (formerly Invitae), Labcorp
Classification: Uncertain significance. Last evaluated: 2023-04-12. Review status: criteria provided, single submitter. Criteria: Invitae Variant Classification Sherloc (09022015). Collection method: clinical testing. Allele origin: germline.
Comment: This variant is present in population databases (rs752448298, gnomAD 0.02%). This sequence change replaces arginine, which is basic and polar, with tryptophan, which is neutral and slightly polar, at codon 53 of the LMF1 protein (p.Arg53Trp). This variant has not been reported in the literature in individuals affected with LMF1-related conditions. In summary, the available evidence is currently insufficient to determine the role of this variant in disease. Therefore, it has been classified as a Variant of Uncertain Significance. An algorithm developed to predict the effect of missense changes on protein structure and function (PolyPhen-2) suggests that this variant is likely to be disruptive. ClinVar contains an entry for this variant (Variation ID: 2255582).

NM_022773.4(LMF1):c.157C>T (p.Arg53Trp)

Genes: LMF1 (lipase maturation factor 1; minus strand), LOC130058141 (ATAC-STARR-seq lymphoblastoid silent region 6962; plus strand). Cytogenetic location: 16p13.3.
Variant type: single nucleotide variant.
Coding change: c.157C>T on transcript NM_022773.4 (MANE Select); coding-DNA position 157, C replaced by T.
Protein change: p.Arg53Trp; replaces arginine 53 with tryptophan.
Molecular consequence: missense variant. On other transcripts: 5 prime UTR variant (1), non-coding transcript variant (1), intron variant (3).
Genome position (GRCh38, 1-based): chr16:970,824, G>A on the plus strand (C>T on the coding strand, the complement: LMF1 is on the minus strand). VCF-style: chr16-970824-G-A. GRCh37 (hg19) VCF-style: chr16-1020824-G-A.
Other names: c.157C>T, p.Arg53Trp (NM_001352020.1); c.-549C>T (NM_001352021.2); c.-135+10321C>T (NM_001352019.2); c.-611+10321C>T (NM_001352017.2); c.-362+10321C>T (NM_001352018.2); short protein forms R53W.
Identifiers: ClinVar variation 2255582 (VCV002255582.6), dbSNP rs752448298, ClinGen allele CA7797763.